The following is an entry in ClinVar:

ClinVar aggregate classification (germline): Uncertain significance. Review status: criteria provided, multiple submitters, no conflicts (2 of 4 stars). 2 submissions from 2 submitters: Uncertain significance (2). Last evaluated 2025-10-22.

Conditions:
Epidermodysplasia verruciformis. Identifiers: Orphanet 302, MedGen C0014522, MONDO:0009176.

Allele frequency attached by ClinVar (database versions not stated): gnomAD exomes 0.00004 and 0.00006; gnomAD 0.00001; TOPMed 0.00002; ExAC 0.00003.
gnomAD v4.1: 82 of 1,613,078 alleles (0.0051%); highest among the groups gnomAD compares: South Asian, 0.0066%; no homozygotes.

Submissions (2):

Labcorp Genetics (formerly Invitae), Labcorp
Classification: Uncertain significance for Epidermodysplasia verruciformis. Last evaluated: 2025-10-22. Review status: criteria provided, single submitter. Criteria: Invitae Variant Classification Sherloc (09022015). Collection method: clinical testing. Allele origin: germline.
Comment: This sequence change replaces alanine, which is neutral and non-polar, with threonine, which is neutral and polar, at codon 495 of the TMC6 protein (p.Ala495Thr). This variant is present in population databases (rs772019840, gnomAD 0.007%). This variant has not been reported in the literature in individuals affected with TMC6-related conditions. ClinVar contains an entry for this variant (Variation ID: 837618). An algorithm developed to predict the effect of missense changes on protein structure and function outputs the following: PolyPhen-2: "Benign". The threonine amino acid residue is found in multiple mammalian species, which suggests that this missense change does not adversely affect protein function. In summary, the available evidence is currently insufficient to determine the role of this variant in disease. Therefore, it has been classified as a Variant of Uncertain Significance.

Breakthrough Genomics
Classification: Uncertain significance. Review status: criteria provided, single submitter. Criteria: ACMG Guidelines, 2015. Collection method: not provided. Allele origin: germline. Inheritance: Autosomal recessive inheritance. Affected: yes.

NM_001127198.5(TMC6):c.1483G>A (p.Ala495Thr)

Gene: TMC6 (transmembrane channel like 6; minus strand). Cytogenetic location: 17q25.3.
Variant type: single nucleotide variant.
Coding change: c.1483G>A on transcript NM_001127198.5 (MANE Select); coding-DNA position 1483, G replaced by A.
Protein change: p.Ala495Thr; replaces alanine 495 with threonine.
Molecular consequence: missense variant.
Genome position (GRCh38, 1-based): chr17:78,121,065, C>T on the plus strand (G>A on the coding strand, the complement: TMC6 is on the minus strand). VCF-style: chr17-78121065-C-T. GRCh37 (hg19) VCF-style: chr17-76117146-C-T.
Other names: c.1483G>A, p.Ala495Thr (NM_001321185.1, NM_001374593.1, NM_001374594.1 and 4 more transcripts); short protein forms A495T.
Identifiers: ClinVar variation 837618 (VCV000837618.9), dbSNP rs772019840, ClinGen allele CA8795735.